The following is an entry in ClinVar:

ClinVar aggregate classification (germline): Uncertain significance (1 of 4 stars; one submission).

Conditions:
Hereditary cancer-predisposing syndrome. Also called: Hereditary neoplastic syndrome; Neoplastic Syndromes, Hereditary; Tumor predisposition; Hereditary Cancer Syndrome. Identifiers: Orphanet 140162, MedGen C0027672, MeSH D009386, MONDO:0015356.

Submission:

Ambry Genetics
Classification: Uncertain significance for Hereditary cancer-predisposing syndrome. Last evaluated: 2025-07-19. Review status: criteria provided, single submitter. Criteria: Ambry Variant Classification Scheme 2023. Collection method: clinical testing. Allele origin: germline.
Comment: The p.T1248S variant (also known as c.3743C>G), located in coding exon 30 of the POLE gene, results from a C to G substitution at nucleotide position 3743. The threonine at codon 1248 is replaced by serine, an amino acid with similar properties. This amino acid position is conserved. In addition, this alteration is predicted to be tolerated by in silico analysis. Based on the available evidence, the clinical significance of this variant remains unclear.

NM_006231.4(POLE):c.3743C>G (p.Thr1248Ser)

Gene: POLE (DNA polymerase epsilon, catalytic subunit; minus strand). Cytogenetic location: 12q24.33.
Variant type: single nucleotide variant.
Coding change: c.3743C>G on transcript NM_006231.4 (MANE Select); coding-DNA position 3743, C replaced by G.
Protein change: p.Thr1248Ser; replaces threonine 1248 with serine.
Molecular consequence: missense variant.
Genome position (GRCh38, 1-based): chr12:132,649,729, G>C on the plus strand (C>G on the coding strand, the complement: POLE is on the minus strand). VCF-style: chr12-132649729-G-C. GRCh37 (hg19) VCF-style: chr12-133226315-G-C.
Other names: short protein forms T1248S.
Identifiers: ClinVar variation 4141170 (VCV004141170.1).
Genomic context (GRCh38, chr12:132,649,729, plus strand): 5'-TGCCTTACCTGGCTGGTTCCCAGGGCGGGAGGCTGCCCCAAGATTTCCTGCCAGGGCACA[G>C]TCGGCGTGAGGTCCTGGGACTCCTCCTGGCTCTCCCAAAGAACTCGCTTCCTCTTCACAG-3'
Protein context (NP_006222.2, residues 1238-1258): SQEESQDLTP[Thr1248Ser]VPWQEILGQP